The following is an entry in ClinVar:

NM_145207.3(AFG2A):c.2135C>T (p.Thr712Ile)

Gene: AFG2A (AAA ATPase AFG2A; plus strand). Cytogenetic location: 4q28.1.
Variant type: single nucleotide variant.
Coding change: c.2135C>T on transcript NM_145207.3 (MANE Select); coding-DNA position 2135, C replaced by T.
Protein change: p.Thr712Ile; replaces threonine 712 with isoleucine.
Molecular consequence: missense variant.
Genome position (GRCh38, 1-based): chr4:123,057,210, C>T. VCF-style: chr4-123057210-C-T. GRCh37 (hg19) VCF-style: chr4-123978365-C-T.
Other names: c.2132C>T, p.Thr711Ile (NM_001345856.2); short protein forms T711I, T712I.
Identifiers: ClinVar variation 2002654 (VCV002002654.3), dbSNP rs2478371817, ClinGen allele CA358227027.

ClinVar aggregate classification (germline): Uncertain significance (1 of 4 stars; one submission).

Conditions:
Microcephaly-intellectual disability-sensorineural hearing loss-epilepsy-abnormal muscle tone syndrome (NEDHSB). Also called: NEURODEVELOPMENTAL DISORDER WITH HEARING LOSS, SEIZURES, AND BRAIN ABNORMALITIES. Identifiers: Orphanet 457351, MedGen C4225276, MONDO:0014698, OMIM 616577.

Submission:

Labcorp Genetics (formerly Invitae), Labcorp
Classification: Uncertain significance for Microcephaly-intellectual disability-sensorineural hearing loss-epilepsy-abnormal muscle tone syndrome. Last evaluated: 2022-08-03. Review status: criteria provided, single submitter. Criteria: Invitae Variant Classification Sherloc (09022015). Collection method: clinical testing. Allele origin: germline.
Comment: In summary, the available evidence is currently insufficient to determine the role of this variant in disease. Therefore, it has been classified as a Variant of Uncertain Significance. Algorithms developed to predict the effect of missense changes on protein structure and function output the following: SIFT: "Tolerated"; PolyPhen-2: "Benign"; Align-GVGD: "Class C0". The isoleucine amino acid residue is found in multiple mammalian species, which suggests that this missense change does not adversely affect protein function. This variant has not been reported in the literature in individuals affected with SPATA5-related conditions. This variant is not present in population databases (gnomAD no frequency). This sequence change replaces threonine, which is neutral and polar, with isoleucine, which is neutral and non-polar, at codon 712 of the SPATA5 protein (p.Thr712Ile).